The following is an entry in ClinVar:

NM_002968.3(SALL1):c.1135G>T (p.Ala379Ser)

Gene: SALL1 (spalt like transcription factor 1; minus strand). Cytogenetic location: 16q12.1.
Variant type: single nucleotide variant.
Coding change: c.1135G>T on transcript NM_002968.3 (MANE Select); coding-DNA position 1135, G replaced by T.
Protein change: p.Ala379Ser; replaces alanine 379 with serine.
Molecular consequence: missense variant.
Genome position (GRCh38, 1-based): chr16:51,141,087, C>A on the plus strand (G>T on the coding strand, the complement: SALL1 is on the minus strand). VCF-style: chr16-51141087-C-A. GRCh37 (hg19) VCF-style: chr16-51174998-C-A.
Other names: c.844G>T, p.Ala282Ser (NM_001127892.2); short protein forms A282S, A379S.
Identifiers: ClinVar variation 1968561 (VCV001968561.5), dbSNP rs1262719912, ClinGen allele CA395889410.

ClinVar aggregate classification (germline): Conflicting classifications of pathogenicity. Review status: criteria provided, conflicting classifications (1 of 4 stars). 2 submissions from 2 submitters: Uncertain significance (1); Likely benign (1). Last evaluated 2024-11-13.

Conditions:
Townes syndrome (TBS). Also called: Townes-Brocks syndrome. Identifiers: Orphanet 857, MedGen C0265246, MeSH C536974, MONDO:0007142.

Allele frequency attached by ClinVar (database versions not stated): gnomAD 0.00001; gnomAD exomes 0.00001.
gnomAD v4.1: 9 of 1,614,216 alleles (0.00056%); highest among the groups gnomAD compares: East Asian, 0.02%; no homozygotes.

Submissions (2):

Women's Health and Genetics/Laboratory Corporation of America, LabCorp
Classification: Uncertain significance. Last evaluated: 2024-11-13. Review status: criteria provided, single submitter. Criteria: LabCorp Variant Classification Summary - May 2015. Collection method: clinical testing. Allele origin: germline.
Comment: Variant summary: SALL1 c.1135G>T (p.Ala379Ser) results in a conservative amino acid change in the encoded protein sequence. Four of five in-silico tools predict a benign effect of the variant on protein function. The variant allele was found at a frequency of 4e-06 in 251492 control chromosomes. The available data on variant occurrences in the general population are insufficient to allow any conclusion about variant significance. To our knowledge, no occurrence of c.1135G>T in individuals affected with Townes-Brocks Syndrome 1 and no experimental evidence demonstrating its impact on protein function have been reported. ClinVar contains an entry for this variant (Variation ID: 1968561). Based on the evidence outlined above, the variant was classified as uncertain significance.

Labcorp Genetics (formerly Invitae), Labcorp
Classification: Likely benign for Townes syndrome. Last evaluated: 2022-07-15. Review status: criteria provided, single submitter. Criteria: Invitae Variant Classification Sherloc (09022015). Collection method: clinical testing. Allele origin: germline.